The following is an entry in ClinVar:

NM_001966.4(EHHADH):c.1015A>T (p.Met339Leu)

Gene: EHHADH (enoyl-CoA hydratase and 3-hydroxyacyl CoA dehydrogenase; minus strand). Cytogenetic location: 3q27.2.
Variant type: single nucleotide variant.
Coding change: c.1015A>T on transcript NM_001966.4 (MANE Select); coding-DNA position 1015, A replaced by T.
Protein change: p.Met339Leu; replaces methionine 339 with leucine.
Molecular consequence: missense variant.
Genome position (GRCh38, 1-based): chr3:185,193,383, T>A on the plus strand (A>T on the coding strand, the complement: EHHADH is on the minus strand). VCF-style: chr3-185193383-T-A. GRCh37 (hg19) VCF-style: chr3-184911171-T-A.
Other names: c.1015A>T (NM_001966.3); c.727A>T, p.Met243Leu (NM_001166415.2); short protein forms M243L, M339L.
Identifiers: ClinVar variation 3589065 (VCV003589065.2).

ClinVar aggregate classification (germline): Uncertain significance. Review status: criteria provided, multiple submitters, no conflicts (2 of 4 stars). 2 submissions from 2 submitters: Uncertain significance (2). Last evaluated 2026-02-10.

Conditions:
Fanconi renotubular syndrome 3 (FRTS3). Identifiers: MedGen C3810100, MONDO:0014275, OMIM 615605.
EHHADH-related disorder. Also called: EHHADH-related condition.

gnomAD v4.1: 1 of 1,614,188 alleles (0.000062%); no homozygotes.

Submissions (2):

PreventionGenetics, part of Exact Sciences
Classification: Uncertain significance for EHHADH-related condition. Last evaluated: 2026-02-10. Review status: criteria provided, single submitter. Criteria: ACMG Guidelines, 2015. Collection method: clinical testing. Allele origin: germline.
Comment: The EHHADH c.1015A>T variant is predicted to result in the amino acid substitution p.Met339Leu. To our knowledge, this variant has not been reported in the literature. This variant is reported in 0.00088% of alleles in individuals of European (Non-Finnish) descent in gnomAD. At this time, the clinical significance of this variant is uncertain due to the absence of conclusive functional and genetic evidence.

Fulgent Genetics
Classification: Uncertain significance for Fanconi renotubular syndrome 3. Last evaluated: 2024-02-22. Review status: criteria provided, single submitter. Criteria: ACMG Guidelines, 2015. Collection method: clinical testing. Allele origin: germline.